The following is an entry in ClinVar:

NM_005188.4(CBL):c.2393C>T (p.Ser798Phe)

Gene: CBL (Cbl proto-oncogene; plus strand). Cytogenetic location: 11q23.3.
Variant type: single nucleotide variant.
Coding change: c.2393C>T on transcript NM_005188.4 (MANE Select); coding-DNA position 2393, C replaced by T.
Protein change: p.Ser798Phe; replaces serine 798 with phenylalanine.
Molecular consequence: missense variant.
Genome position (GRCh38, 1-based): chr11:119,298,499, C>T. VCF-style: chr11-119298499-C-T. GRCh37 (hg19) VCF-style: chr11-119169209-C-T.
Other names: short protein forms S798F.
Identifiers: ClinVar variation 133811 (VCV000133811.9), dbSNP rs587778158, ClinGen allele CA157860.

ClinVar aggregate classification (germline): Uncertain significance. Review status: criteria provided, multiple submitters, no conflicts (2 of 4 stars). 4 submissions from 4 submitters: Uncertain significance (2). 2 of the submissions do not count toward it. Last evaluated 2025-08-02.

Conditions:
CBL-related disorder. Also called: NOONAN SYNDROME-LIKE DISORDER WITHOUT JUVENILE MYELOMONOCYTIC LEUKEMIA; CBL MUTATION-ASSOCIATED SYNDROME; CBL SYNDROME. Identifiers: Orphanet 363972, MedGen C3150803, MONDO:0013308, OMIM 613563.
RASopathy. Also called: Noonan spectrum disorder; rasopathies. Identifiers: Orphanet 536391, MedGen C5555857, MONDO:0021060.

Allele frequency attached by ClinVar (database versions not stated): gnomAD 0.00001; ExAC 0.00002; gnomAD exomes 0.00002 and 0.00009; TOPMed 0.00002.
gnomAD v4.1: 138 of 1,614,020 alleles (0.0086%); highest among the groups gnomAD compares: Non-Finnish European, 0.011%; no homozygotes.

Submissions (4):

Labcorp Genetics (formerly Invitae), Labcorp
Classification: Uncertain significance for RASopathy. Last evaluated: 2025-08-02. Review status: criteria provided, single submitter. Criteria: Invitae Variant Classification Sherloc (09022015). Collection method: clinical testing. Allele origin: germline.
Comment: This sequence change replaces serine, which is neutral and polar, with phenylalanine, which is neutral and non-polar, at codon 798 of the CBL protein (p.Ser798Phe). This variant is present in population databases (rs587778158, gnomAD 0.004%). This variant has not been reported in the literature in individuals affected with CBL-related conditions. ClinVar contains an entry for this variant (Variation ID: 133811). Invitae Evidence Modeling of protein sequence and biophysical properties (such as structural, functional, and spatial information, amino acid conservation, physicochemical variation, residue mobility, and thermodynamic stability) indicates that this missense variant is not expected to disrupt CBL protein function with a negative predictive value of 95%. In summary, the available evidence is currently insufficient to determine the role of this variant in disease. Therefore, it has been classified as a Variant of Uncertain Significance.

Blueprint Genetics
Classification: Uncertain significance. Last evaluated: 2024-11-06. Review status: criteria provided, single submitter. Criteria: ACMG Guidelines, 2015. Collection method: clinical testing. Allele origin: germline.

PreventionGenetics, part of Exact Sciences
Classification: Uncertain significance for CBL-related condition. Last evaluated: 2024-04-08. Review status: no assertion criteria provided. Collection method: clinical testing. Allele origin: germline. Not counted in ClinVar's aggregate classification.
Comment: The CBL c.2393C>T variant is predicted to result in the amino acid substitution p.Ser798Phe. To our knowledge, this variant has not been reported in the literature. This variant is reported in 0.0044% of alleles in individuals of European (Non-Finnish) descent in gnomAD. At this time, the clinical significance of this variant is uncertain due to the absence of conclusive functional and genetic evidence.

ITMI
No classification provided. Condition: AllHighlyPenetrant. Last evaluated: 2013-09-19. Review status: no classification provided. Collection method: reference population. Allele origin: germline. Not counted in ClinVar's aggregate classification.
Comment: Please see associated publication for description of ethnicities

Literature cited by the submitters: PubMed 24728327 (cited by ITMI).